The following is an entry in ClinVar:

NM_019892.6(INPP5E):c.107C>G (p.Ala36Gly)

Gene: INPP5E (inositol polyphosphate-5-phosphatase E; minus strand). Cytogenetic location: 9q34.3.
Variant type: single nucleotide variant.
Coding change: c.107C>G on transcript NM_019892.6 (MANE Select); coding-DNA position 107, C replaced by G.
Protein change: p.Ala36Gly; replaces alanine 36 with glycine.
Molecular consequence: missense variant.
Genome position (GRCh38, 1-based): chr9:136,439,313, G>C on the plus strand (C>G on the coding strand, the complement: INPP5E is on the minus strand). VCF-style: chr9-136439313-G-C. GRCh37 (hg19) VCF-style: chr9-139333765-G-C.
Other names: c.107C>G, p.Ala36Gly (NM_001318502.2); short protein forms A36G.
Identifiers: ClinVar variation 840498 (VCV000840498.11), dbSNP rs771207750, ClinGen allele CA5337210.

ClinVar aggregate classification (germline): Uncertain significance. Review status: criteria provided, multiple submitters, no conflicts (2 of 4 stars). 3 submissions from 3 submitters: Uncertain significance (3). Last evaluated 2024-09-08.

Conditions:
MORM syndrome (MORMS). Identifiers: Orphanet 75858, MedGen C1857802, MONDO:0012423, OMIM 610156.
Joubert syndrome 1 (JBTS1). Also called: Cerebellooculorenal syndrome 1; CEREBELLOPARENCHYMAL DISORDER IV. Identifiers: MedGen C4551568, MONDO:0008944, OMIM 213300.
Inborn genetic diseases. Identifiers: MedGen C0950123, MeSH D030342.
Joubert syndrome. Also called: JOUBERT-BOLTSHAUSER SYNDROME; Familial aplasia of the vermis. Identifiers: Orphanet 475, MedGen C5979921, MONDO:0018772.

Allele frequency attached by ClinVar (database versions not stated): gnomAD exomes below 0.00001; ExAC below 0.00001; gnomAD 0.00001; TOPMed 0.00002.
gnomAD v4.1: 6 of 1,406,712 alleles (0.00043%); highest among the groups gnomAD compares: Admixed American, 0.0067%; no homozygotes.

Submissions (3):

Ambry Genetics
Classification: Uncertain significance for Inborn genetic diseases. Last evaluated: 2024-09-08. Review status: criteria provided, single submitter. Criteria: Ambry Variant Classification Scheme 2023. Collection method: clinical testing. Allele origin: germline.

Fulgent Genetics
Classification: Uncertain significance for Joubert syndrome 1; MORM syndrome. Last evaluated: 2024-04-08. Review status: criteria provided, single submitter. Criteria: ACMG Guidelines, 2015. Collection method: clinical testing. Allele origin: germline.

Labcorp Genetics (formerly Invitae), Labcorp
Classification: Uncertain significance for Joubert syndrome. Last evaluated: 2021-08-28. Review status: criteria provided, single submitter. Criteria: Invitae Variant Classification Sherloc (09022015). Collection method: clinical testing. Allele origin: germline.
Comment: This sequence change replaces alanine with glycine at codon 36 of the INPP5E protein (p.Ala36Gly). The alanine residue is weakly conserved and there is a small physicochemical difference between alanine and glycine. The frequency data for this variant in the population databases is considered unreliable, as metrics indicate poor data quality at this position in the ExAC database. This variant has not been reported in the literature in individuals affected with INPP5E-related conditions. Algorithms developed to predict the effect of missense changes on protein structure and function (SIFT, PolyPhen-2, Align-GVGD) all suggest that this variant is likely to be tolerated. In summary, the available evidence is currently insufficient to determine the role of this variant in disease. Therefore, it has been classified as a Variant of Uncertain Significance.